The following is an entry in ClinVar:

ClinVar aggregate classification (germline): Conflicting classifications of pathogenicity. Review status: criteria provided, conflicting classifications (1 of 4 stars). 6 submissions from 6 submitters: Uncertain significance (1); Benign (1); Likely benign (3). 1 of the submissions does not count toward it. Last evaluated 2025-07-31.

Conditions:
Hereditary cancer-predisposing syndrome. Also called: Neoplastic Syndromes, Hereditary; Hereditary neoplastic syndrome; Hereditary Cancer Syndrome; Tumor predisposition. Identifiers: Orphanet 140162, MedGen C0027672, MeSH D009386, MONDO:0015356.
Gastrointestinal stromal tumor. Also called: Gastrointestinal stromal tumor, somatic; Gastrointestinal stroma tumor. Identifiers: Orphanet 44890, MedGen C0238198, MeSH D046152, MONDO:0011719, OMIM 606764, HP:0100723.
Pheochromocytoma/paraganglioma syndrome 3. Also called: Paragangliomas 3; SDHC-Related Hereditary Paraganglioma-Pheochromocytoma Syndrome (Paragangliomas 3); SDHC-Related Hereditary Paraganglioma-Pheochromocytoma Syndrome; GLOMUS TUMORS, FAMILIAL, 3. Identifiers: Orphanet 29072, MedGen C1854336, MONDO:0011544, OMIM 605373.

Allele frequency attached by ClinVar (database versions not stated): TOPMed 0.00012; gnomAD exomes 0.00013 and 0.00025; ESP Exome Variant Server 0.00015; ExAC 0.00021; gnomAD 0.00026.
gnomAD v4.1: 239 of 1,610,248 alleles (0.015%); highest among the groups gnomAD compares: Middle Eastern, 0.05%; no homozygotes.

Submissions (6):

Labcorp Genetics (formerly Invitae), Labcorp
Classification: Likely benign for Pheochromocytoma/paraganglioma syndrome 3; Gastrointestinal stromal tumor. Last evaluated: 2025-07-31. Review status: criteria provided, single submitter. Criteria: Invitae Variant Classification Sherloc (09022015). Collection method: clinical testing. Allele origin: germline.

Sema4
Classification: Likely benign for Hereditary cancer-predisposing syndrome. Last evaluated: 2021-04-21. Review status: criteria provided, single submitter. Criteria: Sema4 Curation Guidelines. Collection method: curation. Allele origin: germline.

Quest Diagnostics Nichols Institute San Juan Capistrano
Classification: Benign. Last evaluated: 2020-03-18. Review status: criteria provided, single submitter. Criteria: Quest Diagnostics criteria. Collection method: clinical testing. Allele origin: unknown.

GeneDx
Classification: Likely benign. Last evaluated: 2019-03-13. Review status: criteria provided, single submitter. Criteria: GeneDx Variant Classification Process June 2021. Collection method: clinical testing. Allele origin: germline. Affected: yes.
Comment: This variant is associated with the following publications: (PMID: 22136840)

Laboratory for Molecular Medicine, Mass General Brigham Personalized Medicine
Classification: Uncertain significance. Last evaluated: 2016-06-23. Review status: criteria provided, single submitter. Criteria: LMM Criteria. Collection method: clinical testing. Allele origin: germline.
Comment: Variant identified in a genome or exome case(s) and assessed due to predicted null impact of the variant or pathogenic assertions in the literature or databases. Disclaimer: This variant has not undergone full assessment. The following are preliminary notes: Outside ROI; reported in 1 study as "pathogenicity to be confirmed"

Counsyl
Classification: Likely benign for Pheochromocytoma/paraganglioma syndrome 3. Last evaluated: 2018-05-23. Review status: no assertion criteria provided. Collection method: clinical testing. Allele origin: unknown. Not counted in ClinVar's aggregate classification.

Literature cited by the submitters: PubMed 22136840 (cited by Quest Diagnostics Nichols Institute San Juan Capistrano and Counsyl).

NM_003001.5(SDHC):c.405+23C>T

Gene: SDHC (succinate dehydrogenase complex subunit C; plus strand). Cytogenetic location: 1q23.3.
Variant type: single nucleotide variant.
Coding change: c.405+23C>T on transcript NM_003001.5 (MANE Select); 23 bases into the intron after coding-DNA position 405, C replaced by T.
Molecular consequence: intron variant.
Genome position (GRCh38, 1-based): chr1:161,356,863, C>T. VCF-style: chr1-161356863-C-T. GRCh37 (hg19) VCF-style: chr1-161326653-C-T.
Other names: c.294+23C>T (NM_001407119.1, NM_001407120.1); c.525+23C>T (NM_001407115.1); c.242-5466C>T (NM_001035511.3); c.303+23C>T (NM_001035512.3); c.140-5466C>T (NM_001278172.3); c.297+23C>T (NM_001407118.1); c.348+23C>T (NM_001407116.1); c.185-5466C>T (NM_001407121.1); and 2 more.
Identifiers: ClinVar variation 239455 (VCV000239455.17), dbSNP rs373731336, ClinGen allele CA046964.